The following is an entry in ClinVar:

ClinVar aggregate classification (germline): Likely benign. Review status: criteria provided, multiple submitters, no conflicts (2 of 4 stars). 2 submissions from 2 submitters: Likely benign (2). Last evaluated 2025-07-21.

Conditions:
RP1-related disorder. Also called: RP1-related condition.

Allele frequency attached by ClinVar (database versions not stated): gnomAD exomes 0.00001; TOPMed 0.00001.
gnomAD v4.1: 9 of 1,614,072 alleles (0.00056%); highest among the groups gnomAD compares: Admixed American, 0.0033%; no homozygotes.

Submissions (2):

PreventionGenetics, part of Exact Sciences
Classification: Likely benign for RP1-related condition. Last evaluated: 2025-07-21. Review status: criteria provided, single submitter. Criteria: ACMG Guidelines, 2015. Collection method: clinical testing. Allele origin: germline.
Comment: This variant is classified as likely benign based on ACMG/AMP sequence variant interpretation guidelines (Richards et al. 2015 PMID: 25741868, with internal and published modifications).

Labcorp Genetics (formerly Invitae), Labcorp
Classification: Likely benign. Last evaluated: 2025-02-24. Review status: criteria provided, single submitter. Criteria: Invitae Variant Classification Sherloc (09022015). Collection method: clinical testing. Allele origin: germline.

NM_006269.2(RP1):c.6138T>C (p.Asn2046=)

Gene: RP1 (RP1 axonemal microtubule associated; plus strand). Cytogenetic location: 8q12.1.
Variant type: single nucleotide variant.
Coding change: c.6138T>C on transcript NM_006269.2 (MANE Select); coding-DNA position 6138, T replaced by C.
Protein change: p.Asn2046=; no amino-acid change (asparagine 2046 retained).
Molecular consequence: synonymous variant. On other transcripts: intron variant (1).
Genome position (GRCh38, 1-based): chr8:54,630,020, T>C. VCF-style: chr8-54630020-T-C. GRCh37 (hg19) VCF-style: chr8-55542580-T-C.
Other names: c.787+7732T>C (NM_001375654.1); c.6138T>C (NM_006269.1).
Identifiers: ClinVar variation 1920647 (VCV001920647.6), dbSNP rs1343611961, ClinGen allele CA461101039.
Genomic context (GRCh38, chr8:54,630,020, plus strand): 5'-AGATTTGAAGGAAAGGTTTTGTATGAATTTCTTGCACACATCATTGTTAGTTGTGGGTAA[T>C]GTGGATTCAAATACACAAGACCTCAGCGGTCAGACAAATGAAATCTTTAAAGCAGTCGAT-3'
Protein context (NP_006260.1, residues 2036-2056): FLHTSLLVVG[Asn2046=]VDSNTQDLSG